The following is an entry in ClinVar:

NM_001360.3(DHCR7):c.321+2T>C

Gene: DHCR7 (7-dehydrocholesterol reductase; minus strand). Cytogenetic location: 11q13.4.
Variant type: single nucleotide variant.
Coding change: c.321+2T>C on transcript NM_001360.3 (MANE Select); the canonical splice donor site of the intron after coding-DNA position 321, T replaced by C.
Molecular consequence: splice donor variant. On other transcripts: missense variant (2).
Genome position (GRCh38, 1-based): chr11:71,443,991, A>G on the plus strand (T>C on the coding strand, the complement: DHCR7 is on the minus strand). VCF-style: chr11-71443991-A-G. GRCh37 (hg19) VCF-style: chr11-71155037-A-G.
Other names: c.323T>C, p.Val108Ala (NM_001425108.1); c.227T>C, p.Val76Ala (NM_001425113.1); c.321+2T>C (NM_001425120.1, NM_001425109.1, NM_001163817.2 and 7 more transcripts); c.225+2T>C (NM_001425114.1, NM_001425116.1); c.147+2T>C (NM_001425117.1); short protein forms V108A, V76A.
Identifiers: ClinVar variation 4814823 (VCV004814823.1).

ClinVar aggregate classification (germline): Likely pathogenic (1 of 4 stars; one submission).

Conditions:
Smith-Lemli-Opitz syndrome (SLOS). Also called: LETHAL ACRODYSGENITAL SYNDROME; POLYDACTYLY, SEX REVERSAL, RENAL HYPOPLASIA, AND UNILOBAR LUNG; RSH SYNDROME; RUTLEDGE LETHAL MULTIPLE CONGENITAL ANOMALY SYNDROME; 7-Dehydrocholesterol reductase deficiency. Identifiers: Orphanet 818, MedGen C0175694, MONDO:0010035, OMIM 270400.

Submission:

Natera, Inc.
Classification: Likely pathogenic for Smith-Lemli-Opitz syndrome. Last evaluated: 2026-01-27. Review status: criteria provided, single submitter. Criteria: Natera Variant Classification Schema (03/2026). Collection method: clinical testing. Allele origin: germline.
Comment: The c.321+2T>C variant in DHCR7 is a canonical splice donor site variant predicted to affect pre-mRNA splicing, which may result in an abnormal transcript and altered protein product. This variant is expected to result in nonsense mediated decay, truncation, or a dysfunctional protein product. This variant is rare in the general population with a frequency below the threshold expected for the associated phenotype(s). Given the available evidence, this variant is classified as Likely Pathogenic.